The following is an entry in ClinVar:

NM_000388.4(CASR):c.1183T>C (p.Cys395Arg)

Gene: CASR (calcium sensing receptor; plus strand). Cytogenetic location: 3q21.1.
Variant type: single nucleotide variant.
Coding change: c.1183T>C on transcript NM_000388.4 (MANE Select); coding-DNA position 1183, T replaced by C.
Protein change: p.Cys395Arg; replaces cysteine 395 with arginine.
Molecular consequence: missense variant.
Genome position (GRCh38, 1-based): chr3:122,262,218, T>C. VCF-style: chr3-122262218-T-C. GRCh37 (hg19) VCF-style: chr3-121981065-T-C.
Other names: c.1183T>C, p.Cys395Arg (NM_001178065.2); short protein forms C395R.
Identifiers: ClinVar variation 372316 (VCV000372316.6), dbSNP rs1057517712, ClinGen allele CA16042449.

ClinVar aggregate classification (germline): Likely pathogenic. Review status: criteria provided, multiple submitters, no conflicts (2 of 4 stars). 2 submissions from 2 submitters: Likely pathogenic (2). Last evaluated 2024-07-06.

Conditions:
Familial hypocalciuric hypercalcemia (FHH). Also called: Familial benign hypercalcemia. Identifiers: Orphanet 405, MedGen C1809471, MONDO:0018458.
Autosomal dominant hypocalcemia 1 (HYPOC1). Also called: HYPOCALCEMIA, FAMILIAL. Identifiers: MedGen C3715128, MONDO:0011013, OMIM 601198.

Allele frequency attached by ClinVar (database versions not stated): gnomAD exomes below 0.00001.
gnomAD v4.1: 1 of 1,614,194 alleles (0.000062%); highest among the groups gnomAD compares: Non-Finnish European, 0.000085%; no homozygotes.

Submissions (2):

Labcorp Genetics (formerly Invitae), Labcorp
Classification: Likely pathogenic for Familial hypocalciuric hypercalcemia; Autosomal dominant hypocalcemia 1. Last evaluated: 2024-07-06. Review status: criteria provided, single submitter. Criteria: Invitae Variant Classification Sherloc (09022015). Collection method: clinical testing. Allele origin: germline.
Comment: This sequence change replaces cysteine, which is neutral and slightly polar, with arginine, which is basic and polar, at codon 395 of the CASR protein (p.Cys395Arg). This variant is not present in population databases (gnomAD no frequency). This missense change has been observed in individuals with hypercalcemia (PMID: 10971459, 25320261). ClinVar contains an entry for this variant (Variation ID: 372316). An algorithm developed to predict the effect of missense changes on protein structure and function (PolyPhen-2) suggests that this variant is likely to be disruptive. Experimental studies have shown that this missense change affects CASR function (PMID: 19389809, 23077345, 32386559). In summary, the currently available evidence indicates that the variant is pathogenic, but additional data are needed to prove that conclusively. Therefore, this variant has been classified as Likely Pathogenic.

GeneDx
Classification: Likely pathogenic. Last evaluated: 2016-09-12. Review status: criteria provided, single submitter. Criteria: GeneDx Variant Classification (06012015). Collection method: clinical testing. Allele origin: germline. Affected: yes.
Comment: The C395R variant in the CASR gene has been reported previously in association with familial hypocalciuric hypercalcemia (Vigouroux et al., 2000; Forde et al., 2014). In vitro functional studies indicate that this variant results in defective tracking to its functional location in the cell's plasma membrane (White et al., 2009). The C395R variant was not observed in approximately 6500 individuals of European and African American ancestry in the NHLBI Exome Sequencing Project, indicating it is not a common benign variant in these populations. The C395R variant is a non-conservative amino acid substitution, which is likely to impact secondary protein structure as these residues differ in polarity, charge, size and/or other properties. This substitution occurs at a position that is conserved across species. The C395R variant is a strong candidate for a pathogenic variant; however the possibility it may be a rare benign variant cannot be excluded.

Literature cited by the submitters: PubMed 10971459 (cited by Labcorp Genetics (formerly Invitae), Labcorp); PubMed 25320261 (cited by Labcorp Genetics (formerly Invitae), Labcorp); PubMed 19389809 (cited by Labcorp Genetics (formerly Invitae), Labcorp); PubMed 23077345 (cited by Labcorp Genetics (formerly Invitae), Labcorp); PubMed 32386559 (cited by Labcorp Genetics (formerly Invitae), Labcorp).